The following is an entry in ClinVar:

ClinVar aggregate classification (germline): Benign (1 of 4 stars; one submission).

Submission:

GeneDx
Classification: Benign. Last evaluated: 2018-06-16. Review status: criteria provided, single submitter. Criteria: GeneDx Variant Classification (06012015). Collection method: clinical testing. Allele origin: germline. Affected: yes.
Comment: This variant is considered likely benign or benign based on one or more of the following criteria: it is a conservative change, it occurs at a poorly conserved position in the protein, it is predicted to be benign by multiple in silico algorithms, and/or has population frequency not consistent with disease.

NM_006371.5(CRTAP):c.472-839_472-837dup

Gene: CRTAP (cartilage associated protein; plus strand). Cytogenetic location: 3p22.3.
Variant type: Duplication.
Coding change: c.472-839_472-837dup on transcript NM_006371.5 (MANE Select); 839 bases into the intron before coding-DNA position 472 through 837 bases into the intron before coding-DNA position 472, 3 bases duplicated (TTT; older notation c.472-839_472-837dupTTT).
Molecular consequence: intron variant.
Genome position (GRCh38, 1-based): chr3:33,119,505-33,119,507, TTT duplicated; duplicating any 3 consecutive bases within chr3:33,119,499-33,119,507 gives the same sequence; the c. name uses the placement nearest the transcript's 3' end. VCF-style (leftmost placement, unchanged base first): chr3-33119498-A-ATTT. GRCh37 (hg19) VCF-style: chr3-33160990-A-ATTT.
Other names: c.472-839_472-837dup (NM_001393363.1, NM_001393364.1); c.472-4903_472-4901dup (NM_001393365.1); c.472-846_472-845insTTT (NM_006371.4).
Identifiers: ClinVar variation 669818 (VCV000669818.1), dbSNP rs5847773, ClinGen allele CA72703035.
Genomic context (GRCh38, chr3:33,119,498, plus strand): 5'-AATTGAGGCCACTAGGAGACAGGGAGAACTTAACAGAATATATGGTCCATGCAGGTGGGG[A>ATTT]TTTTTTTTTCCTGTTTTGCTTATTGTTATAGACCCACAACCTAGAAATGGTGCTCTTGTA-3'